The following is an entry in ClinVar:

NM_000404.4(GLB1):c.1873C>T (p.Pro625Ser)

Gene: GLB1 (galactosidase beta 1; minus strand). Cytogenetic location: 3p22.3.
Variant type: single nucleotide variant.
Coding change: c.1873C>T on transcript NM_000404.4 (MANE Select); coding-DNA position 1873, C replaced by T.
Protein change: p.Pro625Ser; replaces proline 625 with serine.
Molecular consequence: missense variant. On other transcripts: intron variant (1).
Genome position (GRCh38, 1-based): chr3:32,997,206, G>A on the plus strand (C>T on the coding strand, the complement: GLB1 is on the minus strand). VCF-style: chr3-32997206-G-A. GRCh37 (hg19) VCF-style: chr3-33038698-G-A.
Other names: c.1783C>T, p.Pro595Ser (NM_001079811.3); c.1480C>T, p.Pro494Ser (NM_001135602.3); c.2017C>T, p.Pro673Ser (NM_001317040.2); c.1734+16850C>T (NM_001393580.1); short protein forms P625S, P595S, P673S, P494S.
Identifiers: ClinVar variation 1414271 (VCV001414271.6), dbSNP rs755581184, ClinGen allele CA352000463.

ClinVar aggregate classification (germline): Uncertain significance (1 of 4 stars; one submission).

Conditions:
Mucopolysaccharidosis, MPS-IV-B (MPS4B). Also called: MORQUIO SYNDROME B; Mucopolysaccharidosis Type IVB (Morquio B Disease); Mucopolysaccharidosis type 4B; Mucopolysaccharidosis type IVB (Morquio); MPS IVB; Mucopolysaccharidosis type IV B. Identifiers: Orphanet 309310, Orphanet 582, MedGen C0086652, MONDO:0009660, OMIM 253010.
GM1 gangliosidosis. Identifiers: Orphanet 354, MedGen C0085131, MONDO:0018149.

Allele frequency attached by ClinVar (database versions not stated): TOPMed below 0.00001; gnomAD 0.00001.
gnomAD v4.1: 5 of 1,614,084 alleles (0.00031%); highest among the groups gnomAD compares: South Asian, 0.0011%; no homozygotes.

Submission:

Labcorp Genetics (formerly Invitae), Labcorp
Classification: Uncertain significance for Mucopolysaccharidosis, MPS-IV-B; GM1 gangliosidosis. Last evaluated: 2023-08-04. Review status: criteria provided, single submitter. Criteria: Invitae Variant Classification Sherloc (09022015). Collection method: clinical testing. Allele origin: germline.
Comment: This sequence change replaces proline, which is neutral and non-polar, with serine, which is neutral and polar, at codon 625 of the GLB1 protein (p.Pro625Ser). This variant is present in population databases (no rsID available, gnomAD 0.007%). This variant has not been reported in the literature in individuals affected with GLB1-related conditions. In summary, the available evidence is currently insufficient to determine the role of this variant in disease. Therefore, it has been classified as a Variant of Uncertain Significance. Advanced modeling of protein sequence and biophysical properties (such as structural, functional, and spatial information, amino acid conservation, physicochemical variation, residue mobility, and thermodynamic stability) performed at Invitae indicates that this missense variant is expected to disrupt GLB1 protein function. ClinVar contains an entry for this variant (Variation ID: 1414271).